The following is an entry in ClinVar:

NM_001558.4(IL10RA):c.697G>A (p.Val233Met)

Gene: IL10RA (interleukin 10 receptor subunit alpha; plus strand). Cytogenetic location: 11q23.3.
Variant type: single nucleotide variant.
Coding change: c.697G>A on transcript NM_001558.4 (MANE Select); coding-DNA position 697, G replaced by A.
Protein change: p.Val233Met; replaces valine 233 with methionine.
Molecular consequence: missense variant. On other transcripts: non-coding transcript variant (1).
Genome position (GRCh38, 1-based): chr11:117,995,597, G>A. VCF-style: chr11-117995597-G-A. GRCh37 (hg19) VCF-style: chr11-117866312-G-A.
Other names: p.Val233Met; short protein forms V233M.
Identifiers: ClinVar variation 538062 (VCV000538062.42), dbSNP rs41354146, ClinGen allele CA6299031.

ClinVar aggregate classification (germline): Benign/Likely benign. Review status: criteria provided, multiple submitters, no conflicts (2 of 4 stars). 6 submissions from 6 submitters: Benign (5); Likely benign (1). Last evaluated 2026-02-01.

Conditions:
Inflammatory bowel disease 28. Also called: Inflammatory bowel disease 28, early onset, autosomal recessive. Identifiers: Orphanet 238569, MedGen C2751053, MONDO:0013153, OMIM 613148.

Allele frequency attached by ClinVar (database versions not stated): gnomAD exomes 0.00088 and 0.00181; ExAC 0.00204; ESP Exome Variant Server 0.00377; gnomAD 0.00435 and 0.00459; TOPMed 0.00565; 1000 Genomes Project 0.00719; 1000 Genomes Project 30x 0.00734.
gnomAD v4.1: 2,004 of 1,614,162 alleles (0.12%); highest among the groups gnomAD compares: African/African-American, 1.3%; 9 homozygotes.

Submissions (6):

Labcorp Genetics (formerly Invitae), Labcorp
Classification: Benign for Inflammatory bowel disease 28. Last evaluated: 2026-02-01. Review status: criteria provided, single submitter. Criteria: Invitae Variant Classification Sherloc (09022015). Collection method: clinical testing. Allele origin: germline.

Blueprint Genetics
Classification: Likely benign. Last evaluated: 2024-11-21. Review status: criteria provided, single submitter. Criteria: ACMG Guidelines, 2015. Collection method: clinical testing. Allele origin: germline.

Mayo Clinic Laboratories, Mayo Clinic
Classification: Benign. Last evaluated: 2024-02-07. Review status: criteria provided, single submitter. Criteria: ACMG Guidelines, 2015. Collection method: clinical testing. Allele origin: germline. Observed: 3 variant alleles.
Comment: BS1, BS2, BP4

CeGaT Center for Human Genetics Tuebingen
Classification: Benign. Last evaluated: 2022-11-01. Review status: criteria provided, single submitter. Criteria: CeGaT Center For Human Genetics Tuebingen Variant Classification Criteria Version 2. Collection method: clinical testing. Allele origin: germline. Affected: yes. Observed: 1 variant allele.
Comment: IL10RA: BP4, BS1, BS2

Illumina Laboratory Services, Illumina
Classification: Benign for Inflammatory bowel disease 28. Last evaluated: 2017-04-27. Review status: criteria provided, single submitter. Criteria: ICSL Variant Classification Criteria 13 December 2019. Collection method: clinical testing. Allele origin: germline.
Comment: This variant was observed as part of a predisposition screen in an ostensibly healthy population. A literature search was performed for the gene, cDNA change, and amino acid change (where applicable). No publications were found based on this search. Allele frequency data from public databases was too high to be consistent with this variant causing disease. Therefore, this variant is classified as benign.

Breakthrough Genomics
Classification: Benign. Review status: criteria provided, single submitter. Criteria: ACMG Guidelines, 2015. Collection method: not provided. Allele origin: germline. Inheritance: Autosomal recessive inheritance. Affected: yes.

Literature cited by the submitters: PubMed 26503572 (cited by Mayo Clinic Laboratories, Mayo Clinic).